The following is an entry in ClinVar:

NM_000293.3(PHKB):c.2136G>A (p.Pro712=)

Gene: PHKB (phosphorylase kinase regulatory subunit beta; plus strand). Cytogenetic location: 16q12.1.
Variant type: single nucleotide variant.
Coding change: c.2136G>A on transcript NM_000293.3 (MANE Select); coding-DNA position 2136, G replaced by A.
Protein change: p.Pro712=; no amino-acid change (proline 712 retained).
Molecular consequence: synonymous variant.
Genome position (GRCh38, 1-based): chr16:47,660,759, G>A. VCF-style: chr16-47660759-G-A. GRCh37 (hg19) VCF-style: chr16-47694670-G-A.
Other names: c.2115G>A, p.Pro705= (NM_001031835.3); c.2136G>A, p.Pro712= (NM_001363837.1).
Identifiers: ClinVar variation 319353 (VCV000319353.9), dbSNP rs200274360, ClinGen allele CA8041078.

ClinVar aggregate classification (germline): Conflicting classifications of pathogenicity. Review status: criteria provided, conflicting classifications (1 of 4 stars). 3 submissions from 3 submitters: Uncertain significance (1); Likely benign (2). Last evaluated 2026-01-26.

Conditions:
Glycogen storage disease IXb (GSD9B). Also called: GLYCOGENOSIS OF LIVER AND MUSCLE, AUTOSOMAL RECESSIVE; GSD IXb; PHOSPHORYLASE KINASE DEFICIENCY OF LIVER AND MUSCLE, AUTOSOMAL RECESSIVE. Identifiers: Orphanet 79240, MedGen C0543514, MONDO:0009868, OMIM 261750.

Allele frequency attached by ClinVar (database versions not stated): gnomAD 0.00006 and 0.00007; gnomAD exomes 0.00007 and 0.00011; TOPMed 0.00007; ExAC 0.00009.
gnomAD v4.1: 110 of 1,614,040 alleles (0.0068%); highest among the groups gnomAD compares: East Asian, 0.049%; no homozygotes.

Submissions (3):

Labcorp Genetics (formerly Invitae), Labcorp
Classification: Likely benign for Glycogen storage disease IXb. Last evaluated: 2026-01-26. Review status: criteria provided, single submitter. Criteria: Invitae Variant Classification Sherloc (09022015). Collection method: clinical testing. Allele origin: germline.

Illumina Laboratory Services, Illumina
Classification: Uncertain significance for Glycogen storage disease IXb. Last evaluated: 2018-01-13. Review status: criteria provided, single submitter. Criteria: ICSL Variant Classification Criteria 13 December 2019. Collection method: clinical testing. Allele origin: germline.

GeneDx
Classification: Likely benign. Last evaluated: 2016-03-02. Review status: criteria provided, single submitter. Criteria: GeneDx Variant Classification (06012015). Collection method: clinical testing. Allele origin: germline. Affected: yes.
Comment: This variant is considered likely benign or benign based on one or more of the following criteria: it is a conservative change, it occurs at a poorly conserved position in the protein, it is predicted to be benign by multiple in silico algorithms, and/or has population frequency not consistent with disease.